The following is an entry in ClinVar:

NM_003628.6(PKP4):c.754G>A (p.Asp252Asn)

Gene: PKP4 (plakophilin 4; plus strand). Cytogenetic location: 2q24.1.
Variant type: single nucleotide variant.
Coding change: c.754G>A on transcript NM_003628.6 (MANE Select); coding-DNA position 754, G replaced by A.
Protein change: p.Asp252Asn; replaces aspartic acid 252 with asparagine.
Molecular consequence: missense variant. On other transcripts: 5 prime UTR variant (1).
Genome position (GRCh38, 1-based): chr2:158,625,028, G>A. VCF-style: chr2-158625028-G-A. GRCh37 (hg19) VCF-style: chr2-159481540-G-A.
Other names: c.754G>A, p.Asp252Asn (NM_001377219.1, NM_001377220.1, NM_001377221.1 and 6 more transcripts); c.748G>A, p.Asp250Asn (NM_001377222.1, NM_001377223.1, NM_001377224.1); c.-273G>A (NM_001304970.3); short protein forms D250N, D252N.
Identifiers: ClinVar variation 4568602 (VCV004568602.1).

ClinVar aggregate classification (germline): Uncertain significance (1 of 4 stars; one submission).

gnomAD v4.1: 27 of 1,614,116 alleles (0.0017%); highest among the groups gnomAD compares: South Asian, 0.016%; no homozygotes.

Submission:

Ambry Genetics
Classification: Uncertain significance. Last evaluated: 2025-12-02. Review status: criteria provided, single submitter. Criteria: Ambry Variant Classification Scheme 2023. Collection method: clinical testing. Allele origin: germline.
Comment: The p.D252N variant (also known as c.754G>A), located in coding exon 6 of the PKP4 gene, results from a G to A substitution at nucleotide position 754. The aspartic acid at codon 252 is replaced by asparagine, an amino acid with highly similar properties. This amino acid position is conserved. In addition, this alteration is predicted to be tolerated by in silico analysis. Based on the available evidence, the clinical significance of this variant remains unclear.